The following is an entry in ClinVar:

NM_003872.3(NRP2):c.1888T>C (p.Cys630Arg)

Gene: NRP2 (neuropilin 2; plus strand). Cytogenetic location: 2q33.3.
Variant type: single nucleotide variant.
Coding change: c.1888T>C on transcript NM_003872.3 (MANE Select); coding-DNA position 1888, T replaced by C.
Protein change: p.Cys630Arg; replaces cysteine 630 with arginine.
Molecular consequence: missense variant.
Genome position (GRCh38, 1-based): chr2:205,749,826, T>C. VCF-style: chr2-205749826-T-C. GRCh37 (hg19) VCF-style: chr2-206614550-T-C.
Other names: c.1888T>C, p.Cys630Arg (NM_018534.4, NM_201266.2, NM_201267.2 and 1 more transcripts); short protein forms C630R.
Identifiers: ClinVar variation 5002553 (VCV005002553.1).

ClinVar aggregate classification (germline): Uncertain significance (1 of 4 stars; one submission).

Conditions:
NRP2-related disorder. Also called: NRP2-related condition.

Submission:

PreventionGenetics, part of Exact Sciences
Classification: Uncertain significance for NRP2-related condition. Last evaluated: 2024-12-27. Review status: criteria provided, single submitter. Criteria: ACMG Guidelines, 2015. Collection method: clinical testing. Allele origin: germline.
Comment: The NRP2 c.1888T>C variant is predicted to result in the amino acid substitution p.Cys630Arg. To our knowledge, this variant has not been reported in the literature or in a large population database (gnomAD), indicating this variant is rare. At this time, the clinical significance of this variant is uncertain due to the absence of conclusive functional and genetic evidence.